The following is an entry in ClinVar:

NM_001164508.2(NEB):c.18074G>A (p.Arg6025His)

Gene: NEB (nebulin; minus strand). Cytogenetic location: 2q23.3.
Variant type: single nucleotide variant.
Coding change: c.18074G>A on transcript NM_001164508.2 (MANE Select); coding-DNA position 18074, G replaced by A.
Protein change: p.Arg6025His; replaces arginine 6025 with histidine.
Molecular consequence: missense variant.
Genome position (GRCh38, 1-based): chr2:151,567,250, C>T on the plus strand (G>A on the coding strand, the complement: NEB is on the minus strand). VCF-style: chr2-151567250-C-T. GRCh37 (hg19) VCF-style: chr2-152423764-C-T.
Other names: c.12971G>A (NM_004543.4); c.18074G>A, p.Arg6025His (NM_001164507.2, NM_001271208.2); c.12971G>A, p.Arg4324His (NM_004543.5); short protein forms R6025H, R4324H.
Identifiers: ClinVar variation 465512 (VCV000465512.12), dbSNP rs751957350, ClinGen allele CA1908045.
Genomic context (GRCh38, chr2:151,567,250, plus strand): 5'-TTTCTTGCCTGAATAACATCGTTCTGGTCAGGATGACACATCCATTGGTGCAAGTAATTA[C>T]GATAATCAATATCACTGACAAGGGTCTGCCCCTGCTTGGCGGCCAAGACTGACACCATAT-3'
Protein context (NP_001157980.2, residues 6015-6035): GQTLVSDIDY[Arg6025His]NYLHQWMCHP

ClinVar aggregate classification (germline): Conflicting classifications of pathogenicity. Review status: criteria provided, conflicting classifications (1 of 4 stars). 4 submissions from 4 submitters: Uncertain significance (2); Likely benign (1). 1 of the submissions does not count toward it. Last evaluated 2025-08-13.

Conditions:
Inborn genetic diseases. Identifiers: MedGen C0950123, MeSH D030342.
Nemaline myopathy 2 (NEM2). Also called: Nemaline myopathy 2, autosomal recessive. Identifiers: MedGen C1850569, MONDO:0009725, OMIM 256030.

Allele frequency attached by ClinVar (database versions not stated): gnomAD exomes 0.00001 and 0.00002; ExAC 0.00002; TOPMed 0.00002; gnomAD 0.00003.
gnomAD v4.1: 16 of 1,613,684 alleles (0.00099%); highest among the groups gnomAD compares: African/African-American, 0.008%; no homozygotes.

Submissions (4):

Ambry Genetics
Classification: Uncertain significance for Inborn genetic diseases. Last evaluated: 2025-08-13. Review status: criteria provided, single submitter. Criteria: Ambry Variant Classification Scheme 2023. Collection method: clinical testing. Allele origin: germline.

Dasa
Classification: Uncertain significance. Last evaluated: 2025-06-26. Review status: criteria provided, single submitter. Criteria: DASA Assertion Criteria. Collection method: clinical testing. Allele origin: germline.
Comment: NM_001164508.2(NEB):c.18074G>A (p.Arg6025His) is a missense variant that results in the substitution of arginine with histidine. This variant is rare in population databases. The currently available literature and clinical evidence are not sufficient to establish a definitive association between this variant and the reported condition. Therefore, this variant is classified as a variant of uncertain significance.

Labcorp Genetics (formerly Invitae), Labcorp
Classification: Likely benign for Nemaline myopathy 2. Last evaluated: 2024-06-29. Review status: criteria provided, single submitter. Criteria: Invitae Variant Classification Sherloc (09022015). Collection method: clinical testing. Allele origin: germline.

Natera, Inc.
Classification: Uncertain significance for Nemaline myopathy type 2. Last evaluated: 2020-09-16. Review status: no assertion criteria provided. Collection method: clinical testing. Allele origin: germline. Not counted in ClinVar's aggregate classification.